The following is an entry in ClinVar:

ClinVar aggregate classification (germline): Uncertain significance. Review status: criteria provided, multiple submitters, no conflicts (2 of 4 stars). 2 submissions from 2 submitters: Uncertain significance (2). Last evaluated 2025-08-05.

Conditions:
PKHD1L1-related disorder. Also called: PKHD1L1-related condition.

gnomAD v4.1: 295 of 1,611,130 alleles (0.018%); highest among the groups gnomAD compares: Middle Eastern, 0.17%; no homozygotes.

Submissions (2):

Ambry Genetics
Classification: Uncertain significance. Last evaluated: 2025-08-05. Review status: criteria provided, single submitter. Criteria: Ambry Variant Classification Scheme 2023. Collection method: clinical testing. Allele origin: germline.

PreventionGenetics, part of Exact Sciences
Classification: Uncertain significance for PKHD1L1-related condition. Last evaluated: 2024-11-09. Review status: criteria provided, single submitter. Criteria: ACMG Guidelines, 2015. Collection method: clinical testing. Allele origin: germline.
Comment: The PKHD1L1 c.11764C>A variant is predicted to result in the amino acid substitution p.Leu3922Ile. To our knowledge, this variant has not been reported in the literature. This variant is reported in 0.094% of alleles in individuals of Latino descent in gnomAD. Although we suspect that this variant may be benign, at this time, the clinical significance of this variant is uncertain due to the absence of conclusive functional and genetic evidence.

NM_177531.6(PKHD1L1):c.11764C>A (p.Leu3922Ile)

Gene: PKHD1L1 (PKHD1 like 1; plus strand). Cytogenetic location: 8q23.2.
Variant type: single nucleotide variant.
Coding change: c.11764C>A on transcript NM_177531.6 (MANE Select); coding-DNA position 11764, C replaced by A.
Protein change: p.Leu3922Ile; replaces leucine 3922 with isoleucine.
Molecular consequence: missense variant.
Genome position (GRCh38, 1-based): chr8:109,518,241, C>A. VCF-style: chr8-109518241-C-A. GRCh37 (hg19) VCF-style: chr8-110530470-C-A.
Other names: short protein forms L3922I.
Identifiers: ClinVar variation 4137845 (VCV004137845.2).